The following is an entry in ClinVar:

NM_201253.3(CRB1):c.875G>T (p.Gly292Val)

Gene: CRB1 (crumbs cell polarity complex component 1; plus strand). Cytogenetic location: 1q31.3.
Variant type: single nucleotide variant.
Coding change: c.875G>T on transcript NM_201253.3 (MANE Select); coding-DNA position 875, G replaced by T.
Protein change: p.Gly292Val; replaces glycine 292 with valine.
Molecular consequence: missense variant. On other transcripts: non-coding transcript variant (2), intron variant (1).
Genome position (GRCh38, 1-based): chr1:197,347,366, G>T. VCF-style: chr1-197347366-G-T. GRCh37 (hg19) VCF-style: chr1-197316496-G-T.
Other names: c.668G>T, p.Gly223Val (NM_001257965.2); c.875G>T, p.Gly292Val (NM_001257966.2); c.653-9465G>T (NM_001193640.2); short protein forms G292V, G223V.
Identifiers: ClinVar variation 2096206 (VCV002096206.1), dbSNP rs2527646211, ClinGen allele CA344084024.

ClinVar aggregate classification (germline): Uncertain significance (1 of 4 stars; one submission).

Conditions:
Retinitis pigmentosa 12 (RP12). Also called: RP WITH OR WITHOUT PRESERVED PARAARTERIOLE RETINAL PIGMENT EPITHELIUM; RETINITIS PIGMENTOSA WITH OR WITHOUT PARAARTERIOLAR PRESERVATION OF RETINAL PIGMENT EPITHELIUM; RP WITH OR WITHOUT PPRPE. Identifiers: Orphanet 791, MedGen C1838647, MONDO:0010818, OMIM 600105.
Leber congenital amaurosis 8 (LCA8). Identifiers: Orphanet 65, MedGen C3151202, MONDO:0013453, OMIM 613835.

Submission:

Labcorp Genetics (formerly Invitae), Labcorp
Classification: Uncertain significance for Leber congenital amaurosis 8; Retinitis pigmentosa 12. Last evaluated: 2022-02-10. Review status: criteria provided, single submitter. Criteria: Invitae Variant Classification Sherloc (09022015). Collection method: clinical testing. Allele origin: germline.
Comment: This sequence change replaces glycine, which is neutral and non-polar, with valine, which is neutral and non-polar, at codon 292 of the CRB1 protein (p.Gly292Val). This variant is not present in population databases (gnomAD no frequency). This variant has not been reported in the literature in individuals affected with CRB1-related conditions. Advanced modeling of protein sequence and biophysical properties (such as structural, functional, and spatial information, amino acid conservation, physicochemical variation, residue mobility, and thermodynamic stability) performed at Invitae indicates that this missense variant is expected to disrupt CRB1 protein function. In summary, the available evidence is currently insufficient to determine the role of this variant in disease. Therefore, it has been classified as a Variant of Uncertain Significance.